The following is an entry in ClinVar:

NM_002471.4(MYH6):c.190G>A (p.Glu64Lys)

Genes: MYH6 (myosin heavy chain 6; minus strand), LOC114827851 (VISTA enhancer hs2155; plus strand). Cytogenetic location: 14q11.2.
Variant type: single nucleotide variant.
Coding change: c.190G>A on transcript NM_002471.4 (MANE Select); coding-DNA position 190, G replaced by A.
Protein change: p.Glu64Lys; replaces glutamic acid 64 with lysine.
Molecular consequence: missense variant.
Genome position (GRCh38, 1-based): chr14:23,407,034, C>T on the plus strand (G>A on the coding strand, the complement: MYH6 is on the minus strand). VCF-style: chr14-23407034-C-T. GRCh37 (hg19) VCF-style: chr14-23876243-C-T.
Other names: p.Glu64Lys; short protein forms E64K.
Identifiers: ClinVar variation 933695 (VCV000933695.19), dbSNP rs750818212, ClinGen allele CA7116252.
Genomic context (GRCh38, chr14:23,407,034, plus strand): 5'-TCTTTCCCAGACCTCCTTCCCTTCTGCCCCGGCGCCATGCCCTACTCACCTTCCCATTCT[C>T]GGTTTCAGCAATGACCTTGCCTCCCTCCCGGGACAAAATCTTGGCTTTGACAAACTCTTC-3'
Protein context (NP_002462.2, residues 54-74): REGGKVIAET[Glu64Lys]NGKTVTVKED

ClinVar aggregate classification (germline): Conflicting classifications of pathogenicity. Review status: criteria provided, conflicting classifications (1 of 4 stars). 7 submissions from 7 submitters: Uncertain significance (6); Likely benign (1). Last evaluated 2025-12-15.

Conditions:
Cardiovascular phenotype. Identifiers: MedGen CN230736.
Hypertrophic cardiomyopathy 1 (CMH1). Also called: MYH7-Related Familial Hypertrophic Cardiomyopathy; Familial hypertrophic cardiomyopathy 1. Identifiers: MedGen C3495498, MONDO:0008647, OMIM 192600.
Atrial septal defect 3 (ASD3). Identifiers: Orphanet 1478, MedGen C3279790, MONDO:0013567, OMIM 614089.
Hypertrophic cardiomyopathy 14. Identifiers: MedGen C2750467, MONDO:0013197, OMIM 613251.
Dilated cardiomyopathy 1EE (CMD1EE). Identifiers: Orphanet 154, MedGen C2750466, MONDO:0013198, OMIM 613252.
Sick sinus syndrome 3, susceptibility to (SSS3). Identifiers: Orphanet 166282, MedGen C3279791, MONDO:0013568, OMIM 614090.

Allele frequency attached by ClinVar (database versions not stated): ExAC 0.00002; gnomAD exomes 0.00003; TOPMed 0.00003; gnomAD 0.00005.
gnomAD v4.1: 57 of 1,614,042 alleles (0.0035%); highest among the groups gnomAD compares: South Asian, 0.0066%; 1 homozygote.

Submissions (7):

Labcorp Genetics (formerly Invitae), Labcorp
Classification: Uncertain significance for Hypertrophic cardiomyopathy 14. Last evaluated: 2025-12-15. Review status: criteria provided, single submitter. Criteria: Invitae Variant Classification Sherloc (09022015). Collection method: clinical testing. Allele origin: germline.
Comment: This sequence change replaces glutamic acid, which is acidic and polar, with lysine, which is basic and polar, at codon 64 of the MYH6 protein (p.Glu64Lys). This variant is present in population databases (rs750818212, gnomAD 0.006%). This variant has not been reported in the literature in individuals affected with MYH6-related conditions. ClinVar contains an entry for this variant (Variation ID: 933695). Invitae Evidence Modeling of protein sequence and biophysical properties (such as structural, functional, and spatial information, amino acid conservation, physicochemical variation, residue mobility, and thermodynamic stability) indicates that this missense variant is expected to disrupt MYH6 protein function with a positive predictive value of 80%. In summary, the available evidence is currently insufficient to determine the role of this variant in disease. Therefore, it has been classified as a Variant of Uncertain Significance.

Ambry Genetics
Classification: Uncertain significance for Cardiovascular phenotype. Last evaluated: 2025-03-23. Review status: criteria provided, single submitter. Criteria: Ambry Variant Classification Scheme 2023. Collection method: clinical testing. Allele origin: germline.
Comment: The p.E64K variant (also known as c.190G>A), located in coding exon 1 of the MYH6 gene, results from a G to A substitution at nucleotide position 190. The glutamic acid at codon 64 is replaced by lysine, an amino acid with similar properties. This variant was detected on exome sequencing in a patient with normal echocardiogram who had short stature, brachydactyly, intellectual developmental disability and seizures syndrome who was homozygous for a nonsense variant the PRMT7 gene (Agolini E et al. Clin. Genet., 2018 03;93:675-681). This amino acid position is well conserved in available vertebrate species. In addition, the in silico prediction for this alteration is inconclusive. Since supporting evidence is limited at this time, the clinical significance of this alteration remains unclear.

GeneDx
Classification: Uncertain significance. Last evaluated: 2023-12-29. Review status: criteria provided, single submitter. Criteria: GeneDx Variant Classification Process June 2021. Collection method: clinical testing. Allele origin: germline.
Comment: Has been observed in an individual with a homozygous PRMT7 pathogenic variant, who also harbored several variants in other genes (PMID: 28902392); In silico analysis supports that this missense variant does not alter protein structure/function; This variant is associated with the following publications: (PMID: 28902392)

Blueprint Genetics
Classification: Likely benign. Last evaluated: 2023-02-24. Review status: criteria provided, single submitter. Criteria: ACMG Guidelines, 2015. Collection method: clinical testing. Allele origin: germline.

Clinical Genomics Laboratory, Stanford Medicine
Classification: Uncertain significance. Last evaluated: 2022-11-22. Review status: criteria provided, single submitter. Criteria: ACMG Guidelines, 2015. Collection method: clinical testing. Allele origin: germline. Observed: 1 variant allele, 1 heterozygote.
Comment: The p.Glu64Lys variant in the MYH6 gene has not been previously reported in association with disease. This variant has been identified in 2/30,616 South Asian chromosomes (9/282,848 chromosomes overall) by the Genome Aggregation Database. This variant is present in ClinVar (Variation ID: 933695). The glutamic acid at position 64 is moderately evolutionarily conserved. Computational tools predict that the p.Glu64Lys variant is neither deleterious nor benign; however, the accuracy of in silico algorithms is limited. These data were assessed using the ACMG/AMP variant interpretation guidelines. In summary, the significance of the p.Glu64Lys variant is uncertain. Additional information is needed to resolve the significance of this variant. [ACMG evidence codes used: PM2]

Mayo Clinic Laboratories, Mayo Clinic
Classification: Uncertain significance. Last evaluated: 2022-10-12. Review status: criteria provided, single submitter. Criteria: ACMG Guidelines, 2015. Collection method: clinical testing. Allele origin: germline. Observed: 1 variant allele.

Fulgent Genetics
Classification: Uncertain significance for Hypertrophic cardiomyopathy 1; Hypertrophic cardiomyopathy 14; Dilated cardiomyopathy 1EE; Atrial septal defect 3; Sick sinus syndrome 3, susceptibility to. Last evaluated: 2021-09-10. Review status: criteria provided, single submitter. Criteria: ACMG Guidelines, 2015. Collection method: clinical testing. Allele origin: unknown.

Literature cited by the submitters: PubMed 28902392 (cited by Ambry Genetics).